The following is an entry in ClinVar:

ClinVar aggregate classification (germline): Pathogenic/Likely pathogenic. Review status: criteria provided, multiple submitters, no conflicts (2 of 4 stars). 6 submissions from 6 submitters: Pathogenic (1); Likely pathogenic (4). 1 of the submissions does not count toward it. Last evaluated 2025-11-19.

Conditions:
GAA-related disorder. Also called: GAA-related condition.
Glycogen storage disease, type II (IOPD). Also called: POMPE DISEASE, INFANTILE-ONSET; GLYCOGEN STORAGE DISEASE II, INFANTILE-ONSET; ACID ALPHA-GLUCOSIDASE DEFICIENCY, INFANTILE-ONSET; GAA DEFICIENCY, INFANTILE-ONSET; ACID MALTASE DEFICIENCY, INFANTILE-ONSET; GLYCOGENOSIS, GENERALIZED, CARDIAC FORM. Identifiers: Orphanet 365, MedGen C0017921, MONDO:0009290, OMIM 232300.

gnomAD v4.1: 2 of 1,612,878 alleles (0.00012%); highest among the groups gnomAD compares: Non-Finnish European, 0.000085%; no homozygotes.

Submissions (6):

PreventionGenetics, part of Exact Sciences
Classification: Pathogenic for GAA-related condition. Last evaluated: 2025-11-19. Review status: criteria provided, single submitter. Criteria: ACMG Guidelines, 2015. Collection method: clinical testing. Allele origin: germline.
Comment: The GAA c.2332-1G>C variant is predicted to disrupt the AG splice acceptor site and interfere with normal splicing. This variant was not reported in the literature. However, a different variant affecting this splice site has been reported in the homozygous state in a patient with infantile onset Pompe disease (c.2332-2A>G; Table S1, Tardieu et al. 2023. PubMed ID: 37235686). The c.2332-1G>C variant has not been reported in a large population database (gnomAD), indicating this variant is rare. Variants that disrupt the consensus splice acceptor site in GAA are expected to be pathogenic. This variant is interpreted as pathogenic.

Labcorp Genetics (formerly Invitae), Labcorp
Classification: Likely pathogenic for Glycogen storage disease, type II. Last evaluated: 2025-06-24. Review status: criteria provided, single submitter. Criteria: Invitae Variant Classification Sherloc (09022015). Collection method: clinical testing. Allele origin: germline.
Comment: This sequence change affects an acceptor splice site in intron 16 of the GAA gene. It is expected to disrupt RNA splicing. Variants that disrupt the donor or acceptor splice site typically lead to a loss of protein function (PMID: 16199547), and loss-of-function variants in GAA are known to be pathogenic (PMID: 18425781, 22252923). This variant is not present in population databases (gnomAD no frequency). This variant has not been reported in the literature in individuals affected with GAA-related conditions. ClinVar contains an entry for this variant (Variation ID: 456400). Algorithms developed to predict the effect of sequence changes on RNA splicing suggest that this variant may disrupt the consensus splice site. In summary, the currently available evidence indicates that the variant is pathogenic, but additional data are needed to prove that conclusively. Therefore, this variant has been classified as Likely Pathogenic.

Natera, Inc.
Classification: Likely pathogenic for Glycogen storage disease type II. Last evaluated: 2025-03-10. Review status: criteria provided, single submitter. Criteria: Natera Variant Classification Schema (03/2026). Collection method: clinical testing. Allele origin: germline.
Comment: The c.2332-1G>C variant in GAA is a canonical splice acceptor site variant predicted to affect pre-mRNA splicing, which may result in an abnormal transcript and altered protein product. This variant is expected to result in nonsense mediated decay, truncation, or a dysfunctional protein product. This variant is rare in the general population with a frequency below the threshold expected for the associated phenotype(s). Another variant at this same site results in an alteration predicted to cause a similar molecular effect has been observed in individual(s) with the associated phenotype. Given the available evidence, this variant is classified as Likely Pathogenic.

Fulgent Genetics
Classification: Likely pathogenic for Glycogen storage disease, type II. Last evaluated: 2024-03-04. Review status: criteria provided, single submitter. Criteria: ACMG Guidelines, 2015. Collection method: clinical testing. Allele origin: germline.

Mayo Clinic Laboratories, Mayo Clinic
Classification: Likely pathogenic. Last evaluated: 2023-06-28. Review status: criteria provided, single submitter. Criteria: ACMG Guidelines, 2015. Collection method: clinical testing. Allele origin: germline. Observed: 1 variant allele.
Comment: PM2_moderate, PVS1

Counsyl
Classification: Likely pathogenic for Glycogen storage disease, type II. Last evaluated: 2019-07-12. Review status: no assertion criteria provided. Collection method: clinical testing. Allele origin: unknown. Not counted in ClinVar's aggregate classification.

Literature cited by the submitters: PubMed 16199547 (cited by Labcorp Genetics (formerly Invitae), Labcorp); PubMed 18425781 (cited by Labcorp Genetics (formerly Invitae), Labcorp); PubMed 22252923 (cited by Labcorp Genetics (formerly Invitae), Labcorp).

NM_000152.5(GAA):c.2332-1G>C

Gene: GAA (alpha glucosidase; plus strand). Cytogenetic location: 17q25.3.
Variant type: single nucleotide variant.
Coding change: c.2332-1G>C on transcript NM_000152.5 (MANE Select); the canonical splice acceptor site of the intron before coding-DNA position 2332, G replaced by C.
Molecular consequence: splice acceptor variant.
Genome position (GRCh38, 1-based): chr17:80,117,599, G>C. VCF-style: chr17-80117599-G-C. GRCh37 (hg19) VCF-style: chr17-78091398-G-C.
Other names: c.2332-1G>C (NM_001406741.1, NM_001406742.1, NM_001079803.3 and 2 more transcripts).
Identifiers: ClinVar variation 456400 (VCV000456400.15), dbSNP rs1555602832, ClinGen allele CA401324964.